The following is an entry in ClinVar:

NM_001040142.2(SCN2A):c.74T>C (p.Ile25Thr)

Gene: SCN2A (sodium voltage-gated channel alpha subunit 2; plus strand). Cytogenetic location: 2q24.3.
Variant type: single nucleotide variant.
Coding change: c.74T>C on transcript NM_001040142.2 (MANE Select); coding-DNA position 74, T replaced by C.
Protein change: p.Ile25Thr; replaces isoleucine 25 with threonine.
Molecular consequence: missense variant.
Genome position (GRCh38, 1-based): chr2:165,295,897, T>C. VCF-style: chr2-165295897-T-C. GRCh37 (hg19) VCF-style: chr2-166152407-T-C.
Other names: c.74T>C, p.Ile25Thr (NM_001040143.2, NM_001371246.1, NM_001371247.1 and 1 more transcripts); short protein forms I25T.
Identifiers: ClinVar variation 1468971 (VCV001468971.8), dbSNP rs1366486532, ClinGen allele CA349009864.

ClinVar aggregate classification (germline): Uncertain significance (1 of 4 stars; one submission).

Conditions:
Seizures, benign familial infantile, 3 (BFIS3). Also called: CONVULSIONS, BENIGN FAMILIAL INFANTILE, 3; Familial neonatal seizures. Identifiers: Orphanet 140927, Orphanet 306, MedGen C1843140, MONDO:0011904, OMIM 607745.
Developmental and epileptic encephalopathy, 11 (DEE11). Also called: Early infantile epileptic encephalopathy 11. Identifiers: Orphanet 1934, MedGen C3150987, MONDO:0013388, OMIM 613721.

Allele frequency attached by ClinVar (database versions not stated): gnomAD exomes below 0.00001; TOPMed below 0.00001.
gnomAD v4.1: 5 of 1,614,126 alleles (0.00031%); highest among the groups gnomAD compares: Non-Finnish European, 0.00042%; no homozygotes.

Submission:

Labcorp Genetics (formerly Invitae), Labcorp
Classification: Uncertain significance for Seizures, benign familial infantile, 3; Developmental and epileptic encephalopathy, 11. Last evaluated: 2022-07-11. Review status: criteria provided, single submitter. Criteria: Invitae Variant Classification Sherloc (09022015). Collection method: clinical testing. Allele origin: germline.
Comment: This sequence change replaces isoleucine, which is neutral and non-polar, with threonine, which is neutral and polar, at codon 25 of the SCN2A protein (p.Ile25Thr). This variant is present in population databases (no rsID available, gnomAD 0.0009%). This variant has not been reported in the literature in individuals affected with SCN2A-related conditions. ClinVar contains an entry for this variant (Variation ID: 1468971). Algorithms developed to predict the effect of missense changes on protein structure and function are either unavailable or do not agree on the potential impact of this missense change (SIFT: "Deleterious"; PolyPhen-2: "Possibly Damaging"; Align-GVGD: "Class C0"). In summary, the available evidence is currently insufficient to determine the role of this variant in disease. Therefore, it has been classified as a Variant of Uncertain Significance.